The following is an entry in ClinVar:

ClinVar aggregate classification (germline): Uncertain significance (1 of 4 stars; one submission).

Conditions:
Inborn genetic diseases. Identifiers: MedGen C0950123, MeSH D030342.

gnomAD v4.1: 4 of 1,613,356 alleles (0.00025%); highest among the groups gnomAD compares: Non-Finnish European, 0.00025%; no homozygotes.

Submission:

Ambry Genetics
Classification: Uncertain significance for Inborn genetic diseases. Last evaluated: 2025-11-29. Review status: criteria provided, single submitter. Criteria: Ambry Variant Classification Scheme 2023. Collection method: clinical testing. Allele origin: germline.
Comment: The p.P1114S variant (also known as c.3340C>T), located in coding exon 15 of the MECOM gene, results from a C to T substitution at nucleotide position 3340. The proline at codon 1114 is replaced by serine, an amino acid with similar properties. This amino acid position is conserved. In addition, this alteration is predicted to be tolerated by in silico analysis. Based on the available evidence, the clinical significance of this variant remains unclear.

NM_004991.4(MECOM):c.3340C>T (p.Pro1114Ser)

Gene: MECOM (MDS1 and EVI1 complex locus; minus strand). Cytogenetic location: 3q26.2.
Variant type: single nucleotide variant.
Coding change: c.3340C>T on transcript NM_004991.4 (MANE Select); coding-DNA position 3340, C replaced by T.
Protein change: p.Pro1114Ser; replaces proline 1114 with serine.
Molecular consequence: missense variant.
Genome position (GRCh38, 1-based): chr3:169,090,061, G>A on the plus strand (C>T on the coding strand, the complement: MECOM is on the minus strand). VCF-style: chr3-169090061-G-A. GRCh37 (hg19) VCF-style: chr3-168807849-G-A.
Other names: c.2971C>T, p.Pro991Ser (NM_001105077.4); c.2776C>T, p.Pro926Ser (NM_001105078.4, NM_001205194.2, NM_001366469.2 and 1 more transcripts); c.2752C>T, p.Pro918Ser (NM_001163999.2, NM_001366470.2); c.2749C>T, p.Pro917Ser (NM_001164000.2, NM_001366471.2, NM_001366472.2); c.3313C>T, p.Pro1105Ser (NM_001366466.2); c.2779C>T, p.Pro927Ser (NM_001366467.2, NM_001366468.2); c.2341C>T, p.Pro781Ser (NM_001366473.2); c.1777C>T, p.Pro593Ser (NM_001366474.2); short protein forms P1114S, P781S, P927S, P593S, P1105S, P917S, P926S, P991S.
Identifiers: ClinVar variation 4624722 (VCV004624722.1).